The following is an entry in ClinVar:

ClinVar aggregate classification (germline): Uncertain significance (1 of 4 stars; one submission).

Allele frequency attached by ClinVar (database versions not stated): gnomAD exomes below 0.00001.
gnomAD v4.1: 6 of 1,479,130 alleles (0.00041%); highest among the groups gnomAD compares: Non-Finnish European, 0.00044%; no homozygotes.

Submission:

Labcorp Genetics (formerly Invitae), Labcorp
Classification: Uncertain significance. Last evaluated: 2023-08-19. Review status: criteria provided, single submitter. Criteria: Invitae Variant Classification Sherloc (09022015). Collection method: clinical testing. Allele origin: germline.
Comment: In summary, the available evidence is currently insufficient to determine the role of this variant in disease. Therefore, it has been classified as a Variant of Uncertain Significance. An algorithm developed to predict the effect of missense changes on protein structure and function (PolyPhen-2) suggests that this variant is likely to be tolerated. This variant has not been reported in the literature in individuals affected with TNFRSF11A-related conditions. This variant is not present in population databases (gnomAD no frequency). This sequence change replaces glycine, which is neutral and non-polar, with serine, which is neutral and polar, at codon 594 of the TNFRSF11A protein (p.Gly594Ser).

NM_003839.4(TNFRSF11A):c.1780G>A (p.Gly594Ser)

Gene: TNFRSF11A (TNF receptor superfamily member 11a; plus strand). Cytogenetic location: 18q21.33.
Variant type: single nucleotide variant.
Coding change: c.1780G>A on transcript NM_003839.4 (MANE Select); coding-DNA position 1780, G replaced by A.
Protein change: p.Gly594Ser; replaces glycine 594 with serine.
Molecular consequence: missense variant. On other transcripts: 3 prime UTR variant (1).
Genome position (GRCh38, 1-based): chr18:62,384,963, G>A. VCF-style: chr18-62384963-G-A. GRCh37 (hg19) VCF-style: chr18-60052196-G-A.
Other names: c.*204G>A (NM_001270949.2); c.943G>A, p.Gly315Ser (NM_001270950.2); c.829G>A, p.Gly277Ser (NM_001270951.2); c.1738G>A, p.Gly580Ser (NM_001278268.2); short protein forms G315S, G277S, G580S, G594S.
Identifiers: ClinVar variation 2781820 (VCV002781820.3), dbSNP rs1648809047, ClinGen allele CA402620735.